The following is an entry in ClinVar:

ClinVar aggregate classification (germline): Uncertain significance (1 of 4 stars; one submission).

Conditions:
Cardiovascular phenotype. Identifiers: MedGen CN230736.

gnomAD v4.1: 9 of 1,614,102 alleles (0.00056%); highest among the groups gnomAD compares: Non-Finnish European, 0.00076%; no homozygotes.

Submission:

Ambry Genetics
Classification: Uncertain significance for Cardiovascular phenotype. Last evaluated: 2026-01-02. Review status: criteria provided, single submitter. Criteria: Ambry Variant Classification Scheme 2023. Collection method: clinical testing. Allele origin: germline.
Comment: The p.A732V variant (also known as c.2195C>T), located in coding exon 18 of the ACTN2 gene, results from a C to T substitution at nucleotide position 2195. The alanine at codon 732 is replaced by valine, an amino acid with similar properties. This amino acid position is conserved. In addition, the in silico prediction for this alteration is inconclusive. Based on the available evidence, the clinical significance of this variant remains unclear.

NM_001103.4(ACTN2):c.2195C>T (p.Ala732Val)

Gene: ACTN2 (actinin alpha 2; plus strand). Cytogenetic location: 1q43.
Variant type: single nucleotide variant.
Coding change: c.2195C>T on transcript NM_001103.4 (MANE Select); coding-DNA position 2195, C replaced by T.
Protein change: p.Ala732Val; replaces alanine 732 with valine.
Molecular consequence: missense variant. On other transcripts: non-coding transcript variant (1).
Genome position (GRCh38, 1-based): chr1:236,757,526, C>T. VCF-style: chr1-236757526-C-T. GRCh37 (hg19) VCF-style: chr1-236920826-C-T.
Other names: c.2195C>T, p.Ala732Val (NM_001278343.2); short protein forms A732V.
Identifiers: ClinVar variation 4841433 (VCV004841433.1).